The following is an entry in ClinVar:

ClinVar aggregate classification (germline): Conflicting classifications of pathogenicity. Review status: criteria provided, conflicting classifications (1 of 4 stars). 2 submissions from 2 submitters: Uncertain significance (1); Likely benign (1). Last evaluated 2018-02-22.

Conditions:
Autosomal recessive limb-girdle muscular dystrophy type 2J (LGMDR10). Also called: Limb-girdle muscular dystrophy, type 2J; MUSCULAR DYSTROPHY, LIMB-GIRDLE, AUTOSOMAL RECESSIVE 10. Identifiers: Orphanet 140922, MedGen C1837342, MONDO:0012127, OMIM 608807.
Dilated cardiomyopathy 1G (CMD1G). Identifiers: Orphanet 154, MedGen C1858763, MONDO:0011400, OMIM 604145.

Allele frequency attached by ClinVar (database versions not stated): gnomAD 0.00001; gnomAD exomes 0.00001; TOPMed 0.00001; ExAC 0.00002.
gnomAD v4.1: 11 of 1,613,128 alleles (0.00068%); highest among the groups gnomAD compares: Non-Finnish European, 0.00093%; no homozygotes.

Submissions (2):

GeneDx
Classification: Likely benign. Last evaluated: 2018-02-22. Review status: criteria provided, single submitter. Criteria: GeneDx Variant Classification (06012015). Collection method: clinical testing. Allele origin: germline. Affected: yes.
Comment: This variant is considered likely benign or benign based on one or more of the following criteria: it is a conservative change, it occurs at a poorly conserved position in the protein, it is predicted to be benign by multiple in silico algorithms, and/or has population frequency not consistent with disease.

Labcorp Genetics (formerly Invitae), Labcorp
Classification: Uncertain significance for Dilated cardiomyopathy 1G; Autosomal recessive limb-girdle muscular dystrophy type 2J. Last evaluated: 2016-06-24. Review status: criteria provided, single submitter. Criteria: Invitae Variant Classification Sherloc (09022015). Collection method: clinical testing. Allele origin: germline.

NM_001267550.2(TTN):c.58616G>T (p.Cys19539Phe)

Genes: TTN-AS1 (TTN antisense RNA 1; plus strand), TTN (titin; minus strand). Cytogenetic location: 2q31.2.
Variant type: single nucleotide variant.
Coding change: c.58616G>T on transcript NM_001267550.2 (MANE Select); coding-DNA position 58616, G replaced by T.
Protein change: p.Cys19539Phe; replaces cysteine 19539 with phenylalanine.
Molecular consequence: missense variant.
Genome position (GRCh38, 1-based): chr2:178,593,684, C>A on the plus strand (G>T on the coding strand, the complement: TTN is on the minus strand). VCF-style: chr2-178593684-C-A. GRCh37 (hg19) VCF-style: chr2-179458411-C-A.
Other names: c.53693G>T, p.Cys17898Phe (NM_001256850.1); c.31421G>T, p.Cys10474Phe (NM_003319.4); c.50912G>T, p.Cys16971Phe (NM_133378.4); c.31796G>T, p.Cys10599Phe (NM_133432.3); c.31997G>T, p.Cys10666Phe (NM_133437.4); short protein forms C19539F, C17898F, C10666F, C16971F, C10474F, C10599F.
Identifiers: ClinVar variation 238812 (VCV000238812.3), dbSNP rs539868284, ClinGen allele CA1992824.